The following is an entry in ClinVar:

ClinVar aggregate classification (germline): Uncertain significance (1 of 4 stars; one submission).

Conditions:
Immunodeficiency 14 (IMD14A). Also called: ACTIVATED PI3K-DELTA SYNDROME 1; Activated PI3K Delta Syndrome Type 1 (APDS1); p110-DELTA-ACTIVATING MUTATION CAUSING SENESCENT T CELLS, LYMPHADENOPATHY, AND IMMUNODEFICIENCY; IMMUNODEFICIENCY 14A WITH LYMPHOPROLIFERATION, AUTOSOMAL DOMINANT. Identifiers: Orphanet 397596, Orphanet 693661, MedGen C5907821, MONDO:0014222, OMIM 615513.

Allele frequency attached by ClinVar (database versions not stated): gnomAD exomes below 0.00001.
gnomAD v4.1: 2 of 1,613,812 alleles (0.00012%); highest among the groups gnomAD compares: Non-Finnish European, 0.00017%; no homozygotes.

Submission:

Labcorp Genetics (formerly Invitae), Labcorp
Classification: Uncertain significance for Activated PI3K-delta syndrome. Last evaluated: 2022-03-03. Review status: criteria provided, single submitter. Criteria: Invitae Variant Classification Sherloc (09022015). Collection method: clinical testing. Allele origin: germline.
Comment: In summary, the available evidence is currently insufficient to determine the role of this variant in disease. Therefore, it has been classified as a Variant of Uncertain Significance. Algorithms developed to predict the effect of missense changes on protein structure and function output the following: SIFT: "Tolerated"; PolyPhen-2: "Benign"; Align-GVGD: "Class C0". The valine amino acid residue is found in multiple mammalian species, which suggests that this missense change does not adversely affect protein function. This variant has not been reported in the literature in individuals affected with PIK3CD-related conditions. This variant is not present in population databases (gnomAD no frequency). This sequence change replaces isoleucine, which is neutral and non-polar, with valine, which is neutral and non-polar, at codon 306 of the PIK3CD protein (p.Ile306Val).

NM_005026.5(PIK3CD):c.916A>G (p.Ile306Val)

Gene: PIK3CD (phosphatidylinositol-4,5-bisphosphate 3-kinase catalytic subunit delta; plus strand). Cytogenetic location: 1p36.22.
Variant type: single nucleotide variant.
Coding change: c.916A>G on transcript NM_005026.5 (MANE Select); coding-DNA position 916, A replaced by G.
Protein change: p.Ile306Val; replaces isoleucine 306 with valine.
Molecular consequence: missense variant.
Genome position (GRCh38, 1-based): chr1:9,717,094, A>G. VCF-style: chr1-9717094-A-G. GRCh37 (hg19) VCF-style: chr1-9777152-A-G.
Other names: c.916A>G, p.Ile306Val (NM_001350234.2); c.829A>G, p.Ile277Val (NM_001350235.1); short protein forms I306V, I277V.
Identifiers: ClinVar variation 1497900 (VCV001497900.8), dbSNP rs2100868986, ClinGen allele CA338301678.
Genomic context (GRCh38, chr1:9,717,094, plus strand): 5'-CGGGATGAGCAGAGCAACCCTGCCCCCCAGGTCCAGAAACCGCGTGCCAAACCACCTCCC[A>G]TTCCTGCGAAGAAGGTGAGATGGCGCCTTCCGCCTCCCCTCTGAGCCACCCCTTCTTTCC-3'
Protein context (NP_005017.3, residues 296-316): VQKPRAKPPP[Ile306Val]PAKKPSSVSL